The following is an entry in ClinVar:

ClinVar aggregate classification (germline): Benign (1 of 4 stars; one submission).

Allele frequency attached by ClinVar (database versions not stated): 1000 Genomes Project 30x 0.88944; 1000 Genomes Project 0.89357; TOPMed 0.89982; gnomAD exomes 0.95778.
gnomAD v4.1: 1,473,257 of 1,546,632 alleles (95%); highest among the groups gnomAD compares: East Asian, 99%; 703,541 homozygotes.

Submission:

Unidad de Genómica Garrahan, Hospital de Pediatría Garrahan
Classification: Benign. Last evaluated: 2024-01-24. Review status: criteria provided, single submitter. Criteria: ACMG Guidelines, 2015. Collection method: clinical testing. Allele origin: germline. Affected: no. Observed: 93 variant alleles.
Comment: This variant is classified as Benign based on local population frequency. This variant was detected in 98% of patients studied by a panel of primary immunodeficiencies. Number of patients: 93. Only high quality variants are reported.

NM_006466.4(POLR3F):c.-72C>A

Gene: POLR3F (RNA polymerase III subunit F; plus strand). Cytogenetic location: 20p11.23.
Variant type: single nucleotide variant.
Coding change: c.-72C>A on transcript NM_006466.4 (MANE Select); 72 bases upstream of the start codon, C replaced by A.
Molecular consequence: 5 prime UTR variant. On other transcripts: non-coding transcript variant (1).
Genome position (GRCh38, 1-based): chr20:18,467,435, C>A. VCF-style: chr20-18467435-C-A. GRCh37 (hg19) VCF-style: chr20-18448079-C-A.
Other names: c.-298C>A (NM_001282526.2); c.-72C>A (NM_001410821.1).
Identifiers: ClinVar variation 2688249 (VCV002688249.2), dbSNP rs1474974, ClinGen allele CA14814616.
Genomic context (GRCh38, chr20:18,467,435, plus strand): 5'-CGGCTGCGACACGAGGAAGAAGGCCCCTCGGCCTCAGCAGAGCGCTATCCTCCACTGGTT[C>A]CCCGGGTTCCCCGGCTTGCTACCGGGCTGCTCCGTGCATCTTTCCCCCCAGGCGTCAGGA-3'